The following is an entry in ClinVar:

NM_020812.4(DOCK6):c.4106+2T>C

Genes: DOCK6 (dedicator of cytokinesis 6; minus strand), DOCK6-AS1 (DOCK6 antisense RNA 1; plus strand). Cytogenetic location: 19p13.2.
Variant type: single nucleotide variant.
Coding change: c.4106+2T>C on transcript NM_020812.4 (MANE Select); the canonical splice donor site of the intron after coding-DNA position 4106, T replaced by C.
Molecular consequence: splice donor variant.
Genome position (GRCh38, 1-based): chr19:11,215,385, A>G on the plus strand (T>C on the coding strand, the complement: DOCK6 is on the minus strand). VCF-style: chr19-11215385-A-G. GRCh37 (hg19) VCF-style: chr19-11326061-A-G.
Other names: c.4211+2T>C (NM_001367830.1).
Identifiers: ClinVar variation 4751065 (VCV004751065.1).

ClinVar aggregate classification (germline): Pathogenic (1 of 4 stars; one submission).

Submission:

Labcorp Genetics (formerly Invitae), Labcorp
Classification: Pathogenic. Last evaluated: 2025-07-07. Review status: criteria provided, single submitter. Criteria: Invitae Variant Classification Sherloc (09022015). Collection method: clinical testing. Allele origin: germline.
Comment: This sequence change affects a donor splice site in intron 32 of the DOCK6 gene. RNA analysis indicates that disruption of this splice site induces altered splicing and may result in an absent or altered protein product. This variant is not present in population databases (gnomAD no frequency). Disruption of this splice site has been observed in individual(s) with Adams-Oliver syndrome (PMID: 30898718). In at least one individual the data is consistent with being in trans (on the opposite chromosome) from a pathogenic variant. Studies have shown that disruption of this splice site results in activation of a cryptic splice site, and produces a non-functional protein and/or introduces a premature termination codon (PMID: 30898718). For these reasons, this variant has been classified as Pathogenic.

Literature cited by the submitters: PubMed 30898718.